The following is an entry in ClinVar:

ClinVar aggregate classification (germline): Uncertain significance. Review status: criteria provided, multiple submitters, no conflicts (2 of 4 stars). 5 submissions from 5 submitters: Uncertain significance (5). Last evaluated 2025-01-15.

Conditions:
Wolcott-Rallison dysplasia. Also called: Wolcott-Rallison syndrome; MED-IDDM SYNDROME. Identifiers: Orphanet 1667, MedGen C0432217, MONDO:0009192, OMIM 226980.

Allele frequency attached by ClinVar (database versions not stated): gnomAD 0.00001; TOPMed 0.00002; gnomAD exomes 0.00004 and 0.00010; ExAC 0.00007.
gnomAD v4.1: 26 of 1,613,668 alleles (0.0016%); highest among the groups gnomAD compares: Admixed American, 0.043%; no homozygotes.

Submissions (5):

ARUP Laboratories, Molecular Genetics and Genomics, ARUP Laboratories
Classification: Uncertain significance for Wolcott-Rallison dysplasia. Last evaluated: 2025-01-15. Review status: criteria provided, single submitter. Criteria: ARUP Molecular Germline Variant Investigation Process 2024. Collection method: clinical testing. Allele origin: germline.
Comment: The EIF2AK3 c.2104C>G; p.Pro702Ala variant (rs781754103), to our knowledge, is not reported in the medical literature but is reported in ClinVar (Variation ID: 502654). This variant is found in the Admixed American population with an allele frequency of 0.07% (24/34582 alleles) in the Genome Aggregation Database (v2.1.1). Computational analyses are uncertain whether this variant is neutral or deleterious (REVEL: 0.335). Due to limited information, the clinical significance of this variant is uncertain at this time.

Fulgent Genetics
Classification: Uncertain significance for Wolcott-Rallison dysplasia. Last evaluated: 2024-03-19. Review status: criteria provided, single submitter. Criteria: ACMG Guidelines, 2015. Collection method: clinical testing. Allele origin: germline.

Labcorp Genetics (formerly Invitae), Labcorp
Classification: Uncertain significance. Last evaluated: 2022-08-17. Review status: criteria provided, single submitter. Criteria: Invitae Variant Classification Sherloc (09022015). Collection method: clinical testing. Allele origin: germline.
Comment: This sequence change replaces proline, which is neutral and non-polar, with alanine, which is neutral and non-polar, at codon 702 of the EIF2AK3 protein (p.Pro702Ala). This variant is present in population databases (rs781754103, gnomAD 0.07%). This variant has not been reported in the literature in individuals affected with EIF2AK3-related conditions. ClinVar contains an entry for this variant (Variation ID: 502654). Algorithms developed to predict the effect of missense changes on protein structure and function (SIFT, PolyPhen-2, Align-GVGD) all suggest that this variant is likely to be tolerated. In summary, the available evidence is currently insufficient to determine the role of this variant in disease. Therefore, it has been classified as a Variant of Uncertain Significance.

New York Genome Center
Classification: Uncertain significance for Wolcott-Rallison dysplasia. Last evaluated: 2022-01-28. Review status: criteria provided, single submitter. Criteria: NYGC Assertion Criteria 2020. Collection method: clinical testing. Allele origin: germline. Observed: 1 heterozygote.

Eurofins Ntd Llc (ga)
Classification: Uncertain significance. Last evaluated: 2017-06-23. Review status: criteria provided, single submitter. Criteria: EGL Classification Definitions 2015. Collection method: clinical testing. Allele origin: germline. Observed: 1 variant allele, 1 heterozygote.

NM_004836.7(EIF2AK3):c.2104C>G (p.Pro702Ala)

Genes: EIF2AK3 (eukaryotic translation initiation factor 2 alpha kinase 3; minus strand), EIF2AK3-AS1 (EIF2AK3 antisense RNA 1; plus strand). Cytogenetic location: 2p11.2.
Variant type: single nucleotide variant.
Coding change: c.2104C>G on transcript NM_004836.7 (MANE Select); coding-DNA position 2104, C replaced by G.
Protein change: p.Pro702Ala; replaces proline 702 with alanine.
Molecular consequence: missense variant. On other transcripts: non-coding transcript variant (1).
Genome position (GRCh38, 1-based): chr2:88,575,379, G>C on the plus strand (C>G on the coding strand, the complement: EIF2AK3 is on the minus strand). VCF-style: chr2-88575379-G-C. GRCh37 (hg19) VCF-style: chr2-88874897-G-C.
Other names: c.1651C>G, p.Pro551Ala (NM_001313915.2); c.2104C>G (NM_004836.6); short protein forms P702A, P551A.
Identifiers: ClinVar variation 502654 (VCV000502654.14), dbSNP rs781754103, ClinGen allele CA1754505.